The following is an entry in ClinVar:

NM_012448.4(STAT5B):c.644T>C (p.Leu215Ser)

Gene: STAT5B (signal transducer and activator of transcription 5B; minus strand). Cytogenetic location: 17q21.2.
Variant type: single nucleotide variant.
Coding change: c.644T>C on transcript NM_012448.4 (MANE Select); coding-DNA position 644, T replaced by C.
Protein change: p.Leu215Ser; replaces leucine 215 with serine.
Molecular consequence: missense variant.
Genome position (GRCh38, 1-based): chr17:42,219,749, A>G on the plus strand (T>C on the coding strand, the complement: STAT5B is on the minus strand). VCF-style: chr17-42219749-A-G. GRCh37 (hg19) VCF-style: chr17-40371767-A-G.
Other names: short protein forms L215S.
Identifiers: ClinVar variation 1022013 (VCV001022013.9), dbSNP rs1430791171, ClinGen allele CA399588027.

ClinVar aggregate classification (germline): Uncertain significance (1 of 4 stars; one submission).

Conditions:
Growth hormone insensitivity with immune dysregulation 1, autosomal recessive. Also called: GROWTH HORMONE INSENSITIVITY DUE TO POSTRECEPTOR DEFECT; LARON SYNDROME DUE TO POSTRECEPTOR DEFECT; Laron syndrome with immunodeficiency; GROWTH HORMONE INSENSITIVITY SYNDROME WITH IMMUNE DYSREGULATION 1, AUTOSOMAL RECESSIVE. Identifiers: Orphanet 220465, MedGen C5435698, MONDO:0100211, OMIM 245590.

Allele frequency attached by ClinVar (database versions not stated): gnomAD exomes below 0.00001.
gnomAD v4.1: 1 of 1,609,988 alleles (0.000062%); highest among the groups gnomAD compares: Non-Finnish European, 0.000085%; no homozygotes.

Submission:

Labcorp Genetics (formerly Invitae), Labcorp
Classification: Uncertain significance for Growth hormone insensitivity with immune dysregulation 1, autosomal recessive. Last evaluated: 2020-05-05. Review status: criteria provided, single submitter. Criteria: Invitae Variant Classification Sherloc (09022015). Collection method: clinical testing. Allele origin: germline.
Comment: In summary, the available evidence is currently insufficient to determine the role of this variant in disease. Therefore, it has been classified as a Variant of Uncertain Significance. Algorithms developed to predict the effect of missense changes on protein structure and function are either unavailable or do not agree on the potential impact of this missense change (SIFT: "Tolerated"; PolyPhen-2: "Probably Damaging"; Align-GVGD: "Class C0"). This sequence change replaces leucine with serine at codon 215 of the STAT5B protein (p.Leu215Ser). The leucine residue is highly conserved and there is a large physicochemical difference between leucine and serine. This variant is not present in population databases (ExAC no frequency). This variant has not been reported in the literature in individuals with STAT5B-related conditions.